The following is an entry in ClinVar:

ClinVar aggregate classification (germline): Uncertain significance (1 of 4 stars; one submission).

Submission:

Labcorp Genetics (formerly Invitae), Labcorp
Classification: Uncertain significance. Last evaluated: 2022-02-02. Review status: criteria provided, single submitter. Criteria: Invitae Variant Classification Sherloc (09022015). Collection method: clinical testing. Allele origin: germline.
Comment: This sequence change replaces histidine, which is basic and polar, with tyrosine, which is neutral and polar, at codon 70 of the CDHR1 protein (p.His70Tyr). This variant is not present in population databases (gnomAD no frequency). This variant has not been reported in the literature in individuals affected with CDHR1-related conditions. Advanced modeling of protein sequence and biophysical properties (such as structural, functional, and spatial information, amino acid conservation, physicochemical variation, residue mobility, and thermodynamic stability) performed at Invitae indicates that this missense variant is not expected to disrupt CDHR1 protein function. In summary, the available evidence is currently insufficient to determine the role of this variant in disease. Therefore, it has been classified as a Variant of Uncertain Significance.

NM_033100.4(CDHR1):c.208C>T (p.His70Tyr)

Gene: CDHR1 (cadherin related family member 1; plus strand). Cytogenetic location: 10q23.1.
Variant type: single nucleotide variant.
Coding change: c.208C>T on transcript NM_033100.4 (MANE Select); coding-DNA position 208, C replaced by T.
Protein change: p.His70Tyr; replaces histidine 70 with tyrosine.
Molecular consequence: missense variant.
Genome position (GRCh38, 1-based): chr10:84,196,561, C>T. VCF-style: chr10-84196561-C-T. GRCh37 (hg19) VCF-style: chr10-85956317-C-T.
Other names: c.208C>T, p.His70Tyr (NM_001171971.3); short protein forms H70Y.
Identifiers: ClinVar variation 1501409 (VCV001501409.5), dbSNP rs2132787934, ClinGen allele CA377370304.